The following is an entry in ClinVar:

NM_001903.5(CTNNA1):c.1389+6G>C

Gene: CTNNA1 (catenin alpha 1; plus strand). Cytogenetic location: 5q31.2.
Variant type: single nucleotide variant.
Coding change: c.1389+6G>C on transcript NM_001903.5 (MANE Select); 6 bases into the intron after coding-DNA position 1389, G replaced by C.
Molecular consequence: intron variant.
Genome position (GRCh38, 1-based): chr5:138,904,447, G>C. VCF-style: chr5-138904447-G-C. GRCh37 (hg19) VCF-style: chr5-138240136-G-C.
Other names: c.1389+6G>C (NM_001323982.2, NM_001323984.2, NM_001290307.3 and 2 more transcripts); c.1297-13295G>C (NM_001323986.2); c.1020+6G>C (NM_001290310.3); c.1080+6G>C (NM_001290309.3); c.279+6G>C (NM_001323996.1, NM_001323993.1, NM_001324005.1 and 17 more transcripts); c.-119+6G>C (NM_001324007.1, NM_001324009.1, NM_001324006.1 and 1 more transcripts); c.36+6G>C (NM_001324013.1, NM_001324012.1); c.187-13295G>C (NM_001324011.1); and 1 more.
Identifiers: ClinVar variation 857175 (VCV000857175.9), dbSNP rs759962817, ClinGen allele CA916082776.
Genomic context (GRCh38, chr5:138,904,447, plus strand): 5'-AGGTGTAAAGCTTGTTCGAATGTCTGCAAGCCAGTTAGAAGCCCTCTGTCCTCAGGTAAA[G>C]TACAACTGACACTGGTGACAGCATAACCAAATTAAATTTTGATTCAAGTGGAGATGAGGT-3'

ClinVar aggregate classification (germline): Uncertain significance (1 of 4 stars; one submission).

gnomAD v4.1: 1 of 1,612,354 alleles (0.000062%); highest among the groups gnomAD compares: Non-Finnish European, 0.000085%; no homozygotes.

Submission:

Labcorp Genetics (formerly Invitae), Labcorp
Classification: Uncertain significance. Last evaluated: 2019-02-12. Review status: criteria provided, single submitter. Criteria: Invitae Variant Classification Sherloc (09022015). Collection method: clinical testing. Allele origin: germline.
Comment: In summary, the available evidence is currently insufficient to determine the role of this variant in disease. Therefore, it has been classified as a Variant of Uncertain Significance. Nucleotide substitutions within the consensus splice site are a relatively common cause of aberrant splicing (PMID: 17576681, 9536098). Algorithms developed to predict the effect of sequence changes on RNA splicing suggest that this variant may disrupt the consensus splice site, but this prediction has not been confirmed by published transcriptional studies. This variant has not been reported in the literature in individuals with CTNNA1-related conditions. This variant is not present in population databases (ExAC no frequency). This sequence change falls in intron 10 of the CTNNA1 gene. It does not directly change the encoded amino acid sequence of the CTNNA1 protein, but it affects a nucleotide within the consensus splice site of the intron.

Literature cited by the submitters: PubMed 17576681; PubMed 9536098.